The following is an entry in ClinVar:

NM_001083961.2(WDR62):c.2864_2867del (p.Asp955fs)

Gene: WDR62 (WD repeat domain 62; plus strand). Cytogenetic location: 19q13.12.
Variant type: Microsatellite.
Coding change: c.2864_2867del on transcript NM_001083961.2 (MANE Select); coding-DNA positions 2864 to 2867, 4 bases deleted (ACAG; older notation c.2864_2867delACAG).
Protein change: p.Asp955fs; shifts the reading frame from aspartic acid 955.
Molecular consequence: frameshift variant.
Genome position (GRCh38, 1-based): chr19:36,100,872-36,100,875, ACAG deleted; deleting any 4 consecutive bases within chr19:36,100,867-36,100,875 gives the same sequence; the c. name uses the placement nearest the transcript's 3' end. VCF-style (leftmost placement, unchanged base first): chr19-36100866-GGACA-G. GRCh37 (hg19) VCF-style: chr19-36591768-GGACA-G.
Other names: c.2864_2867del, p.Asp955fs (NM_173636.5); c.2864_2867delACAG (NM_001083961.1); c.2864_2867del (NM_001083961.1); short protein forms D955fs.
Identifiers: ClinVar variation 1362663 (VCV001362663.31), dbSNP rs757827840, ClinGen allele CA9396065.
Genomic context (GRCh38, chr19:36,100,866, plus strand): 5'-AATCATCTGAGGCCAGTGAGCTCATCCTCTACTCTCTGGAGGCAGAAGTGACAGTCACAG[GGACA>G]GACAGGTGGGTGTCCTTTCCACCAAGGGAGCCTTAGTTGGAGGAACCCCCAGCTGATAGC-3'

ClinVar aggregate classification (germline): Pathogenic. Review status: criteria provided, multiple submitters, no conflicts (2 of 4 stars). 5 submissions from 5 submitters: Pathogenic (5). Last evaluated 2026-07-14.

Conditions:
WDR62-related disorder. Also called: WDR62-related condition.
Inborn genetic diseases. Identifiers: MedGen C0950123, MeSH D030342.

Submissions (5):

Ambry Genetics
Classification: Pathogenic for Inborn genetic diseases. Last evaluated: 2026-07-14. Review status: criteria provided, single submitter. Criteria: Ambry Variant Classification Scheme 2023. Collection method: clinical testing. Allele origin: germline.
Comment: The c.2864_2867delACAG (p.D955Afs*112) alteration, located in exon 23 (coding exon 23) of the WDR62 gene, consists of a deletion of 4 nucleotides from position 2864 to 2867, causing a translational frameshift with a predicted alternate stop codon after 112 amino acids. This variant is expected to result in loss of function by premature protein truncation or nonsense-mediated mRNA decay. Based on data from gnomAD, this allele has an overall frequency of 0.001% (2/282726) total alleles studied. The highest observed frequency was 0.002% (2/129062) of European (non-Finnish) alleles. This variant has been identified in the homozygous state and/or in conjunction with other WDR62 variant(s) in individual(s) with features consistent with WDR62-related primary microcephaly; in at least one instance, the variants were identified in trans (Farag, 2013; Slezak, 2021). Based on the available evidence, this alteration is classified as pathogenic.

Labcorp Genetics (formerly Invitae), Labcorp
Classification: Pathogenic. Last evaluated: 2024-11-11. Review status: criteria provided, single submitter. Criteria: Invitae Variant Classification Sherloc (09022015). Collection method: clinical testing. Allele origin: germline.
Comment: This sequence change creates a premature translational stop signal (p.Asp955Alafs*112) in the WDR62 gene. It is expected to result in an absent or disrupted protein product. Loss-of-function variants in WDR62 are known to be pathogenic (PMID: 20729831). This variant is present in population databases (rs757827840, gnomAD 0.002%). This premature translational stop signal has been observed in individual(s) with WDR62-related conditions (PMID: 24228726). ClinVar contains an entry for this variant (Variation ID: 1362663). For these reasons, this variant has been classified as Pathogenic.

CeGaT Center for Human Genetics Tuebingen
Classification: Pathogenic. Last evaluated: 2023-10-01. Review status: criteria provided, single submitter. Criteria: CeGaT Center For Human Genetics Tuebingen Variant Classification Criteria Version 2. Collection method: clinical testing. Allele origin: germline. Affected: yes. Observed: 1 variant allele.
Comment: WDR62: PVS1, PM2, PM3

Blueprint Genetics
Classification: Pathogenic for WDR62-related disorders. Last evaluated: 2023-09-08. Review status: criteria provided, single submitter. Criteria: ACMG Guidelines, 2015. Collection method: clinical testing. Allele origin: germline. Affected: yes. Observed: 3 variant alleles.

Rady Children's Institute for Genomic Medicine, Rady Children's Hospital San Diego
Classification: Pathogenic for WDR62 Related Disorder. Review status: criteria provided, single submitter. Criteria: ACMG Guidelines, 2015. Collection method: clinical testing. Allele origin: germline. Affected: yes.
Comment: This frameshifting variant in exon 23 of 32 introduces a premature stop codon and is therefore predicted to result in loss of normal protein function through either protein truncation or nonsense-mediated mRNA decay (NMD). This variant has been previously reported as a compound heterozygous change in patients with WDR62-related disorder (PMID: 24228726, 33921653). Loss-of-function variation in WDR62 is an established mechanism of disease (PMID: 20890278, 30706430). Expression studies showed that the c.2864_2867del (p.Asp955AlafsTer112) variant alters the function of the WDR62 protein (PMID: 24228726). The c.2864_2867del (p.Asp955AlafsTer112) variant is present in the heterozygous state in the gnomAD population database at a frequency of 0.0007% (2/282726) and thus is presumed to be rare. Based on the available evidence, the c.2864_2867del (p.Asp955AlafsTer112) variant is classified as Pathogenic.

Literature cited by the submitters: PubMed 24228726 (cited by Ambry Genetics and Labcorp Genetics (formerly Invitae), Labcorp); PubMed 33921653 (cited by Ambry Genetics); PubMed 20729831 (cited by Labcorp Genetics (formerly Invitae), Labcorp).